The following is an entry in ClinVar:

NM_005228.5(EGFR):c.484A>C (p.Ile162Leu)

Gene: EGFR (epidermal growth factor receptor; plus strand). Cytogenetic location: 7p11.2.
Variant type: single nucleotide variant.
Coding change: c.484A>C on transcript NM_005228.5 (MANE Select); coding-DNA position 484, A replaced by C.
Protein change: p.Ile162Leu; replaces isoleucine 162 with leucine.
Molecular consequence: missense variant. On other transcripts: intron variant (3).
Genome position (GRCh38, 1-based): chr7:55,146,665, A>C. VCF-style: chr7-55146665-A-C. GRCh37 (hg19) VCF-style: chr7-55214358-A-C.
Other names: c.484A>C, p.Ile162Leu (NM_001346898.2, NM_201282.2, NM_201283.2 and 1 more transcripts); c.325A>C, p.Ile109Leu (NM_001346900.2); c.424+3177A>C (NM_001346899.2, NM_001346897.2); c.89-9165A>C (NM_001346941.2); short protein forms I162L, I109L.
Identifiers: ClinVar variation 2852169 (VCV002852169.3), dbSNP rs2128929502, ClinGen allele CA367576587.

ClinVar aggregate classification (germline): Uncertain significance (1 of 4 stars; one submission).

Conditions:
EGFR-related lung cancer (EGFR). Identifiers: MedGen CN130014.

Submission:

Labcorp Genetics (formerly Invitae), Labcorp
Classification: Uncertain significance for EGFR-related lung cancer. Last evaluated: 2023-04-05. Review status: criteria provided, single submitter. Criteria: Invitae Variant Classification Sherloc (09022015). Collection method: clinical testing. Allele origin: germline.
Comment: In summary, the available evidence is currently insufficient to determine the role of this variant in disease. Therefore, it has been classified as a Variant of Uncertain Significance. An algorithm developed to predict the effect of missense changes on protein structure and function (PolyPhen-2) suggests that this variant is likely to be disruptive. This variant has not been reported in the literature in individuals affected with EGFR-related conditions. This variant is not present in population databases (gnomAD no frequency). This sequence change replaces isoleucine, which is neutral and non-polar, with leucine, which is neutral and non-polar, at codon 162 of the EGFR protein (p.Ile162Leu).